The following is an entry in ClinVar:

ClinVar aggregate classification (germline): Uncertain significance (1 of 4 stars; one submission).

Submission:

Ambry Genetics
Classification: Uncertain significance. Last evaluated: 2023-02-09. Review status: criteria provided, single submitter. Criteria: Ambry Variant Classification Scheme 2023. Collection method: clinical testing. Allele origin: germline.
Comment: The p.M10I variant (also known as c.30G>A), located in coding exon 2 of the BUB1 gene, results from a G to A substitution at nucleotide position 30. The methionine at codon 10 is replaced by isoleucine, an amino acid with highly similar properties. This amino acid position is conserved. In addition, the in silico prediction for this alteration is inconclusive. Since supporting evidence is limited at this time, the clinical significance of this alteration remains unclear.

NM_004336.5(BUB1):c.30G>A (p.Met10Ile)

Gene: BUB1 (BUB1 mitotic checkpoint serine/threonine kinase; minus strand). Cytogenetic location: 2q13.
Variant type: single nucleotide variant.
Coding change: c.30G>A on transcript NM_004336.5 (MANE Select); coding-DNA position 30, G replaced by A.
Protein change: p.Met10Ile; replaces methionine 10 with isoleucine.
Molecular consequence: missense variant. On other transcripts: intron variant (1).
Genome position (GRCh38, 1-based): chr2:110,674,362, C>T on the plus strand (G>A on the coding strand, the complement: BUB1 is on the minus strand). VCF-style: chr2-110674362-C-T. GRCh37 (hg19) VCF-style: chr2-111431939-C-T.
Other names: c.30G>A, p.Met10Ile (NM_001278617.2); c.27-138G>A (NM_001278616.2); short protein forms M10I.
Identifiers: ClinVar variation 2451267 (VCV002451267.2), dbSNP rs2468039094, ClinGen allele CA348221951.